The following is an entry in ClinVar:

NM_032043.3(BRIP1):c.2906-5_2906-3del

Gene: BRIP1 (BRCA1 interacting DNA helicase 1; minus strand). Cytogenetic location: 17q23.2.
Variant type: Deletion.
Coding change: c.2906-5_2906-3del on transcript NM_032043.3 (MANE Select); 5 bases into the intron before coding-DNA position 2906 through 3 bases into the intron before coding-DNA position 2906, 3 bases deleted (CTT; older notation c.2906-5_2906-3delCTT).
Molecular consequence: intron variant.
Genome position (GRCh38, 1-based): chr17:61,684,143-61,684,145, AAG deleted on the plus strand (CTT on the coding strand, the reverse complement: BRIP1 is on the minus strand); deleting any 3 consecutive bases within chr17:61,684,143-61,684,147 gives the same sequence; the c. name uses the placement nearest the transcript's 3' end. VCF-style (leftmost placement, unchanged base first): chr17-61684142-TAAG-T. GRCh37 (hg19) VCF-style: chr17-59761503-TAAG-T.
Identifiers: ClinVar variation 3261818 (VCV003261818.1).

ClinVar aggregate classification (germline): Uncertain significance (1 of 4 stars; one submission).

Conditions:
Hereditary cancer-predisposing syndrome. Also called: Hereditary Cancer Syndrome; Tumor predisposition; Hereditary neoplastic syndrome; Neoplastic Syndromes, Hereditary. Identifiers: Orphanet 140162, MedGen C0027672, MeSH D009386, MONDO:0015356.

Submission:

Ambry Genetics
Classification: Uncertain significance for Hereditary cancer-predisposing syndrome. Last evaluated: 2024-05-28. Review status: criteria provided, single submitter. Criteria: Ambry Variant Classification Scheme 2023. Collection method: clinical testing. Allele origin: germline.
Comment: The c.2906-5_2906-3delCTT intronic variant, located in intron 18 of the BRIP1 gene, results from a deletion of 3 nucleotides within intron 18 of the BRIP1 gene. This nucleotide region is not well conserved in available vertebrate species. In silico splice site analysis for this alteration is inconclusive. Based on the available evidence, the clinical significance of this variant remains unclear.